The following is an entry in ClinVar:

NM_002354.3(EPCAM):c.241A>G (p.Arg81Gly)

Gene: EPCAM (epithelial cell adhesion molecule; plus strand). Cytogenetic location: 2p21.
Variant type: single nucleotide variant.
Coding change: c.241A>G on transcript NM_002354.3 (MANE Select); coding-DNA position 241, A replaced by G.
Protein change: p.Arg81Gly; replaces arginine 81 with glycine.
Molecular consequence: missense variant.
Genome position (GRCh38, 1-based): chr2:47,373,864, A>G. VCF-style: chr2-47373864-A-G. GRCh37 (hg19) VCF-style: chr2-47601003-A-G.
Other names: short protein forms R81G.
Identifiers: ClinVar variation 5036023 (VCV005036023.1).

ClinVar aggregate classification (germline): Uncertain significance (1 of 4 stars; one submission).

Conditions:
Hereditary cancer-predisposing syndrome. Also called: Hereditary Cancer Syndrome; Neoplastic Syndromes, Hereditary; Tumor predisposition; Hereditary neoplastic syndrome. Identifiers: Orphanet 140162, MedGen C0027672, MeSH D009386, MONDO:0015356.

Submission:

Ambry Genetics
Classification: Uncertain significance for Hereditary cancer-predisposing syndrome. Last evaluated: 2026-09-09. Review status: criteria provided, single submitter. Criteria: Ambry Variant Classification Scheme 2023. Collection method: clinical testing. Allele origin: germline.
Comment: The p.R81G variant (also known as c.241A>G), located in coding exon 3 of the EPCAM gene, results from an A to G substitution at nucleotide position 241. The arginine at codon 81 is replaced by glycine, an amino acid with dissimilar properties. This amino acid position is conserved. In addition, this alteration is predicted to be tolerated by in silico analysis. Based on the available evidence, the clinical significance of this variant remains unclear.